The following is an entry in ClinVar:

ClinVar aggregate classification (germline): Likely pathogenic (1 of 4 stars; one submission).

Submission:

GeneDx
Classification: Likely pathogenic. Last evaluated: 2024-08-01. Review status: criteria provided, single submitter. Criteria: GeneDx Variant Classification Process June 2021. Collection method: clinical testing. Allele origin: germline. Affected: yes.
Comment: Not observed at significant frequency in large population cohorts (gnomAD); In silico analysis supports that this missense variant has a deleterious effect on protein structure/function; Has not been previously published as pathogenic or benign to our knowledge; This variant is associated with the following publications: (PMID: 26503042, 26138142, 25168514)

NM_002047.4(GARS1):c.893C>G (p.Pro298Arg)

Gene: GARS1 (glycyl-tRNA synthetase 1; plus strand). Cytogenetic location: 7p14.3.
Variant type: single nucleotide variant.
Coding change: c.893C>G on transcript NM_002047.4 (MANE Select); coding-DNA position 893, C replaced by G.
Protein change: p.Pro298Arg; replaces proline 298 with arginine.
Molecular consequence: missense variant.
Genome position (GRCh38, 1-based): chr7:30,612,107, C>G. VCF-style: chr7-30612107-C-G. GRCh37 (hg19) VCF-style: chr7-30651723-C-G.
Other names: c.731C>G, p.Pro244Arg (NM_001316772.1); short protein forms P244R, P298R.
Identifiers: ClinVar variation 3602190 (VCV003602190.1).